The following is an entry in ClinVar:

ClinVar aggregate classification (germline): Uncertain significance (1 of 4 stars; one submission).

Conditions:
Familial thoracic aortic aneurysm and aortic dissection (TAAD). Also called: Thoracic aortic aneurysms and dissections. Identifiers: Orphanet 91387, MedGen C4707243, MONDO:0019625.

Allele frequency attached by ClinVar (database versions not stated): gnomAD exomes below 0.00001; TOPMed below 0.00001; gnomAD 0.00001; ExAC 0.00002.

Submission:

Ambry Genetics
Classification: Uncertain significance for Familial thoracic aortic aneurysm and aortic dissection. Last evaluated: 2023-03-05. Review status: criteria provided, single submitter. Criteria: Ambry Variant Classification Scheme 2023. Collection method: clinical testing. Allele origin: germline.
Comment: The p.D1462G variant (also known as c.4385A>G), located in coding exon 23 of the MYLK gene, results from an A to G substitution at nucleotide position 4385. The aspartic acid at codon 1462 is replaced by glycine, an amino acid with similar properties. This amino acid position is conserved. In addition, the in silico prediction for this alteration is inconclusive. Since supporting evidence is limited at this time, the clinical significance of this alteration remains unclear.

NM_053025.4(MYLK):c.4385A>G (p.Asp1462Gly)

Gene: MYLK (myosin light chain kinase; minus strand). Cytogenetic location: 3q21.1.
Variant type: single nucleotide variant.
Coding change: c.4385A>G on transcript NM_053025.4 (MANE Select); coding-DNA position 4385, A replaced by G.
Protein change: p.Asp1462Gly; replaces aspartic acid 1462 with glycine.
Molecular consequence: missense variant.
Genome position (GRCh38, 1-based): chr3:123,649,001, T>C on the plus strand (A>G on the coding strand, the complement: MYLK is on the minus strand). VCF-style: chr3-123649001-T-C. GRCh37 (hg19) VCF-style: chr3-123367848-T-C.
Other names: c.3857A>G, p.Asp1286Gly (NM_001321309.2); c.4178A>G, p.Asp1393Gly (NM_053026.4, NM_053028.4); c.4385A>G, p.Asp1462Gly (NM_053027.4); short protein forms D1462G, D1286G, D1393G.
Identifiers: ClinVar variation 2447215 (VCV002447215.2), dbSNP rs759940284, ClinGen allele CA071529.